The following is an entry in ClinVar:

ClinVar aggregate classification (germline): Pathogenic (1 of 4 stars; one submission).

Conditions:
Hereditary cancer-predisposing syndrome. Also called: Tumor predisposition; Hereditary Cancer Syndrome; Neoplastic Syndromes, Hereditary; Hereditary neoplastic syndrome. Identifiers: Orphanet 140162, MedGen C0027672, MeSH D009386, MONDO:0015356.

Submission:

Ambry Genetics
Classification: Pathogenic for Hereditary cancer-predisposing syndrome. Last evaluated: 2019-07-31. Review status: criteria provided, single submitter. Criteria: Ambry Variant Classification Scheme 2023. Collection method: clinical testing. Allele origin: germline.
Comment: The c.2732delT pathogenic mutation, located in coding exon 23 of the TSC2 gene, results from a deletion of one nucleotide at nucleotide position 2732, causing a translational frameshift with a predicted alternate stop codon (p.F911Sfs*37). This alteration is expected to result in loss of function by premature protein truncation or nonsense-mediated mRNA decay. As such, this alteration is interpreted as a disease-causing mutation.

NM_000548.5(TSC2):c.2732del (p.Phe911fs)

Gene: TSC2 (TSC complex subunit 2; plus strand). Cytogenetic location: 16p13.3.
Variant type: Deletion.
Coding change: c.2732del on transcript NM_000548.5 (MANE Select); coding-DNA position 2732, one base deleted (T; older notation c.2732delT).
Protein change: p.Phe911fs; shifts the reading frame from phenylalanine 911.
Molecular consequence: frameshift variant.
Genome position (GRCh38, 1-based): chr16:2,076,160, T deleted; the last of 3 consecutive T bases (chr16:2,076,158-2,076,160); deleting any one gives the same sequence. VCF-style (leftmost placement, unchanged base first): chr16-2076157-CT-C. GRCh37 (hg19) VCF-style: chr16-2126158-CT-C.
Other names: c.2732del, p.Phe911fs (NM_001077183.3, NM_001114382.3, NM_001363528.2 and 3 more transcripts); c.2621del, p.Phe874fs (NM_001318827.2); c.2585del, p.Phe862fs (NM_001318829.2); c.2132del, p.Phe711fs (NM_001318831.2); c.2765del, p.Phe922fs (NM_001318832.2); c.2732delT, p.Phe911Serfs (NM_001406663.1, NM_001406664.1, NM_001406665.1); c.2822delT, p.Phe941Serfs (NM_001406667.1, NM_001406668.1); c.2621delT, p.Phe874Serfs (NM_001406670.1, NM_001406678.1); and 7 more; short protein forms F874fs, F711fs, F862fs, F922fs, F911fs.
Identifiers: ClinVar variation 1795305 (VCV001795305.2), dbSNP rs2543912026, ClinGen allele CA2580090870.